The following is an entry in ClinVar:

NM_001329943.3(KIAA0586):c.1254-1G>C

Gene: KIAA0586 (KIAA0586; plus strand). Cytogenetic location: 14q23.1.
Variant type: single nucleotide variant.
Coding change: c.1254-1G>C on transcript NM_001329943.3 (MANE Select); the canonical splice acceptor site of the intron before coding-DNA position 1254, G replaced by C.
Molecular consequence: splice acceptor variant.
Genome position (GRCh38, 1-based): chr14:58,456,701, G>C. VCF-style: chr14-58456701-G-C. GRCh37 (hg19) VCF-style: chr14-58923419-G-C.
Other names: IVSAS, G-C, -1; c.1254-1G>C (NM_014749.3, NM_001329944.2, NM_001329946.2 and 2 more transcripts); c.1413-1G>C (NM_001244189.2); c.1209-1G>C (NM_001244190.2); c.1122-1G>C (NM_001244192.2); c.999-1G>C (NM_001244191.2, NM_001364701.2, NM_001329945.2 and 1 more transcripts); c.834-1G>C (NM_001244193.2).
Identifiers: ClinVar variation 204594 (VCV000204594.22), dbSNP rs757350052, ClinGen allele CA204047.
Genomic context (GRCh38, chr14:58,456,701, plus strand): 5'-CAACAATTTAGGAAACTTTTTCAAAAATCTTCTGTAGCGTTGAAACTCTACCTTCTCAAA[G>C]ATTTCCTTCCTGTGAAGAGCTAGAAACAACTAAAGTGACTATGCAGAAGTCTGATGATGT-3'

ClinVar aggregate classification (germline): Pathogenic. Review status: criteria provided, multiple submitters, no conflicts (2 of 4 stars). 13 submissions from 13 submitters: Pathogenic (12). 1 of the submissions does not count toward it. Last evaluated 2026-08-07.

Conditions:
KIAA0586-related disorder. Also called: KIAA0586-related condition; KIAA0586- Related disorders.
Short-rib thoracic dysplasia 14 with polydactyly (SRTD14). Identifiers: Orphanet 397715, MedGen C4225286, MONDO:0014688, OMIM 616546.
Joubert syndrome 23 (JBTS23). Identifiers: Orphanet 475, MedGen C4084822, MONDO:0014664, OMIM 616490.
Inborn genetic diseases. Identifiers: MedGen C0950123, MeSH D030342.
Joubert syndrome and related disorders. Identifiers: Orphanet 140874, MedGen C5679612, MONDO:0015369.

Allele frequency attached by ClinVar (database versions not stated): ExAC 0.00008; gnomAD exomes 0.00012 and 0.00007; gnomAD 0.00009 and 0.00008; TOPMed 0.00010.
gnomAD v4.1: 179 of 1,564,632 alleles (0.011%); highest among the groups gnomAD compares: Non-Finnish European, 0.015%; no homozygotes.

Submissions (13):

Ambry Genetics
Classification: Pathogenic for Inborn genetic diseases. Last evaluated: 2026-08-07. Review status: criteria provided, single submitter. Criteria: Ambry Variant Classification Scheme 2023. Collection method: clinical testing. Allele origin: germline.
Comment: The c.1254-1G>C intronic variant consists of a G to C substitution one nucleotide(s) before exon 10 (coding exon 10) of the KIAA0586 gene. Variants that disrupt the canonical splice site are expected to cause aberrant splicing, resulting in an abnormal protein or a transcript that is subject to nonsense-mediated mRNA decay. Based on data from gnomAD, the C allele has an overall frequency of 0.007% (15/219932) total alleles studied. The highest observed frequency was 0.015% (15/99144) of European (non-Finnish) alleles. This variant, also reported as c.1413-1G>C and c.1209-1G>C, has been identified in the homozygous state and/or in conjunction with other KIAA0586 variant(s) in individual(s) with features consistent with KIAA0586-related ciliopathies; in at least one instance, the variants were identified in trans (Roosing, 2015; Bachmann-Gagescu, 2015; Akawi, 2015). This nucleotide position is not well conserved in available vertebrate species. In silico splice site analysis predicts that this alteration will weaken the native splice acceptor site and may result in the creation or strengthening of a novel splice acceptor site. Based on the available evidence, this alteration is classified as pathogenic.

Greenwood Genetic Center Diagnostic Laboratories, Greenwood Genetic Center
Classification: Pathogenic for KIAA0586-related disorder. Last evaluated: 2026-04-07. Review status: criteria provided, single submitter. Criteria: ACMG Guidelines, 2015. Collection method: clinical testing. Allele origin: germline. Affected: yes.
Comment: PVS1, PS3, PM2

Victorian Clinical Genetics Services, Murdoch Childrens Research Institute
Classification: Pathogenic for Joubert syndrome 23. Last evaluated: 2026-02-19. Review status: criteria provided, single submitter. Criteria: ACMG Guidelines, 2015. Collection method: clinical testing. Allele origin: germline. Affected: yes.
Comment: This variant is classified as Pathogenic. Evidence in support of pathogenic classification: Splice site variant proven to affect splicing of the transcript with a known effect on protein sequence. RNA studies demonstrate this variant affects splicing and is predicted to cause nonsense-mediated decay (NMD) and loss of protein (PMID: 26026149); Variant is present in gnomAD <0.01 for a recessive condition (v4: 179 heterozygote(s), 0 homozygote(s)); This variant has strong previous evidence of pathogenicity in unrelated individuals. This variant has been classified as pathogenic by multiple clinical laboratories in ClinVar, and reported in the literature in multiple compound heterozygote individuals with Joubert syndrome (PMIDs: 26096313, 26026149, 26386044); Other NMD-predicted variants comparable to the one identified in this case have very strong previous evidence for pathogenicity (DECIPHER). Additional information: This variant is heterozygous; This gene is associated with autosomal recessive disease; Loss of function is a known mechanism of disease in this gene and is associated with Joubert syndrome 23 (MIM#616490) and short-rib thoracic dysplasia 14 with polydactyly (MIM#616546).

Women's Health and Genetics/Laboratory Corporation of America, LabCorp
Classification: Pathogenic for Joubert syndrome and related disorders. Last evaluated: 2026-01-06. Review status: criteria provided, single submitter. Criteria: LabCorp Variant Classification Summary - May 2015. Collection method: clinical testing. Allele origin: germline.
Comment: Variant summary: KIAA0586 c.1413-1G>C is located in a canonical splice-site and is predicted to affect mRNA splicing resulting in a significantly altered protein due to either exon skipping, shortening, or inclusion of intronic material. Variants that disrupt the consensus splice site are a relatively common cause of aberrant splicing and loss of KIAA0586 function. Several computational tools predict a significant impact on normal splicing: Three predict the variant abolishes a 3' acceptor site. One predict the variant strengthens a cryptic 3' acceptor site. One predict the variant creates a 3' acceptor site. At least one publication reports experimental evidence that this variant affects mRNA splicing via utilization of a cryptic splice acceptor located 16 bp downstream, resulting in a frameshifted transcript (Roosing_2015). The variant allele was found at a frequency of 6.8e-05 in 219932 control chromosomes. This frequency is not significantly higher than estimated for disease-causing variants in KIAA0586, allowing no conclusion about variant significance. c.1413-1G>C has been observed in multiple individuals affected with Joubert Syndrome And Related Disorders (e.g. Roosing_2015, Bachmann-Gagescu_2015, Brooks_2018). These data indicate that the variant is very likely to be associated with disease. The following publications have been ascertained in the context of this evaluation (PMID: 26096313, 30055837, 26026149). ClinVar contains an entry for this variant (Variation ID: 204594). Based on the evidence outlined above, the variant was classified as pathogenic.

Labcorp Genetics (formerly Invitae), Labcorp
Classification: Pathogenic for Joubert syndrome 23; Short-rib thoracic dysplasia 14 with polydactyly. Last evaluated: 2025-05-19. Review status: criteria provided, single submitter. Criteria: Invitae Variant Classification Sherloc (09022015). Collection method: clinical testing. Allele origin: germline.
Comment: This sequence change affects an acceptor splice site in intron 11 of the KIAA0586 gene. RNA analysis indicates that disruption of this splice site induces altered splicing and may result in an absent or altered protein product. This variant is present in population databases (rs757350052, gnomAD 0.02%). Disruption of this splice site has been observed in individual(s) with Joubert syndrome (PMID: 26026149, 26096313, 26386044, 26437029, 28497568). In at least one individual the data is consistent with being in trans (on the opposite chromosome) from a pathogenic variant. It has also been observed to segregate with disease in related individuals. This variant is also known as c.1209-1G>C or c.1254-1G>C. ClinVar contains an entry for this variant (Variation ID: 204594). Studies have shown that disruption of this splice site results in activation of a cryptic splice site, and produces a non-functional protein and/or introduces a premature termination codon (PMID: 26026149). For these reasons, this variant has been classified as Pathogenic.

PreventionGenetics, part of Exact Sciences
Classification: Pathogenic for KIAA0586-related condition. Last evaluated: 2025-02-07. Review status: criteria provided, single submitter. Criteria: ACMG Guidelines, 2015. Collection method: clinical testing. Allele origin: germline.
Comment: The KIAA0586 c.1413-1G>C variant is predicted to disrupt the AG splice acceptor site and interfere with normal splicing. This variant was reported in the compound heterozygous state in multiple individuals with autosomal recessive Joubert syndrome (Roosing et al. 2015. PubMed ID: 26026149; Bachmann-Gagescu et al. 2015. PubMed ID: 26096313; referred to as c.1209-1G>C in Table S3, Akawi et al. 2015. PubMed ID: 26437029; referred to as c.1254-1G>C in Table S3, Summers et al. 2017. PubMed ID: 28497568; Pauli et al. 2018. PubMed ID: 30120217). This variant is reported in 0.015% of alleles in individuals of European (Non-Finnish) descent in gnomAD. Variants that disrupt the consensus splice acceptor site in KIAA0586 are expected to be pathogenic. This variant is interpreted as pathogenic.

Blueprint Genetics
Classification: Pathogenic for KIAA0586-related disorders. Last evaluated: 2024-01-12. Review status: criteria provided, single submitter. Criteria: ACMG Guidelines, 2015. Collection method: clinical testing. Allele origin: germline. Affected: yes. Observed: 5 variant alleles.

Baylor Genetics
Classification: Pathogenic for Joubert syndrome 23. Last evaluated: 2022-11-02. Review status: criteria provided, single submitter. Criteria: ACMG Guidelines, 2015. Collection method: clinical testing. Allele origin: unknown.

GeneDx
Classification: Pathogenic. Last evaluated: 2021-06-11. Review status: criteria provided, single submitter. Criteria: GeneDx Variant Classification Process June 2021. Collection method: clinical testing. Allele origin: germline. Affected: yes.
Comment: Canonical splice site variant in a gene for which loss-of-function is a known mechanism of disease; Published functional studies demonstrate that this variant leads to utilization of a cryptic splice acceptor site, resulting in an aberrant transcript and absent protein levels in patient fibroblasts (Roosing et al., 2015); This variant is associated with the following publications: (PMID: 26437029, 26026149, 26096313, 28497568, 30120217, 26386044, 27535533)

Institute of Medical Genetics and Applied Genomics, University Hospital Tübingen
Classification: Pathogenic. Last evaluated: 2020-10-23. Review status: criteria provided, single submitter. Criteria: ACMG Guidelines, 2015. Collection method: clinical testing. Allele origin: germline. Inheritance: Autosomal recessive inheritance. Affected: yes.

HudsonAlpha Institute for Biotechnology
Classification: Pathogenic for Joubert syndrome 23. Last evaluated: 2020-03-03. Review status: criteria provided, single submitter. Criteria: ACMG Guidelines, 2015. Collection method: research. Allele origin: maternal. Affected: yes. Observed: 1 variant allele. Study: HudsonAlpha-AGHI-WGS.
Comment: ACMG codes:PVS1, PM2, PM3, PP5

UW Hindbrain Malformation Research Program, University of Washington
Classification: Pathogenic for Joubert syndrome 23. Last evaluated: 2015-09-01. Review status: criteria provided, single submitter. Criteria: Submitter's publication. Collection method: research. Allele origin: unknown. Affected: yes.

OMIM
Classification: Pathogenic for JOUBERT SYNDROME 23. Last evaluated: 2015-06-11. Review status: no assertion criteria provided. Collection method: literature only. Allele origin: germline. Not counted in ClinVar's aggregate classification.

Literature cited by the submitters: PubMed 26026149 (cited by 4 submitters); PubMed 26096313 (cited by 5 submitters); PubMed 26437029 (cited by Ambry Genetics and Labcorp Genetics (formerly Invitae), Labcorp); PubMed 26386044 (cited by Victorian Clinical Genetics Services, Murdoch Childrens Research Institute and Labcorp Genetics (formerly Invitae), Labcorp); PubMed 30055837 (cited by Women's Health and Genetics/Laboratory Corporation of America, LabCorp); PubMed 28497568 (cited by Labcorp Genetics (formerly Invitae), Labcorp).